The following is an entry in ClinVar:

NM_182760.4(SUMF1):c.224_225delinsTCTTCCTCT (p.Asn75fs)

Genes: SUMF1 (sulfatase modifying factor 1; minus strand), LOC129936056 (ATAC-STARR-seq lymphoblastoid silent region 14016; plus strand). Cytogenetic location: 3p26.1.
Variant type: Indel.
Coding change: c.224_225delinsTCTTCCTCT on transcript NM_182760.4 (MANE Select); coding-DNA positions 224 to 225, AC replaced by TCTTCCTCT.
Protein change: p.Asn75fs; shifts the reading frame from asparagine 75.
Molecular consequence: frameshift variant.
Genome position (GRCh38, 1-based): chr3:4,467,021-4,467,022, GT replaced by AGAGGAAGA on the plus strand (AC replaced by TCTTCCTCT on the coding strand, the reverse complement: SUMF1 is on the minus strand). VCF-style: chr3-4467021-GT-AGAGGAAGA. GRCh37 (hg19) VCF-style: chr3-4508705-GT-AGAGGAAGA.
Other names: c.224_225delinsTCTTCCTCT, p.Asn75fs (NM_001164674.2, NM_001164675.2); short protein forms N75fs.
Identifiers: ClinVar variation 5011048 (VCV005011048.1).

ClinVar aggregate classification (germline): Pathogenic (1 of 4 stars; one submission).

Conditions:
Multiple sulfatase deficiency (MSD). Also called: Mucosulfatidosis; Multiple Sulfatase Deficiency Disease; Sulfatidosis, Juvenile, Austin Type. Identifiers: Orphanet 585, MedGen C0268263, MONDO:0010088, OMIM 272200.

Submission:

Myriad Genetics, Inc.
Classification: Pathogenic for Multiple sulfatase deficiency. Last evaluated: 2024-05-14. Review status: criteria provided, single submitter. Criteria: Myriad Autosomal Dominant, Autosomal Recessive and X-Linked Classification Criteria (2023). Collection method: clinical testing. Allele origin: unknown.
Comment: NM_182760.3(SUMF1):c.224_225del2ins9(N75Ifs*33) is expected to be pathogenic in the context of multiple sulfatase deficiency. This variant is predicted to lead to an abnormal or absent protein product due to the creation of a premature termination codon in SUMF1, a gene where loss-of-function variants are known to be pathogenic. Please note: this variant was assessed in the context of healthy population screening.